The following is an entry in ClinVar:

NM_001267550.2(TTN):c.33742+1G>T

Gene: TTN (titin; minus strand). Cytogenetic location: 2q31.2.
Variant type: single nucleotide variant.
Coding change: c.33742+1G>T on transcript NM_001267550.2 (MANE Select); the canonical splice donor site of the intron after coding-DNA position 33742, G replaced by T.
Molecular consequence: splice donor variant. On other transcripts: intron variant (3).
Genome position (GRCh38, 1-based): chr2:178,679,338, C>A on the plus strand (G>T on the coding strand, the complement: TTN is on the minus strand). VCF-style: chr2-178679338-C-A. GRCh37 (hg19) VCF-style: chr2-179544065-C-A.
Other names: c.13283-37021G>T (NM_003319.4); c.13859-37021G>T (NM_133437.4); c.13658-37021G>T (NM_133432.3); c.30010+1G>T (NM_133378.4); c.32791+1G>T (NM_001256850.1).
Identifiers: ClinVar variation 404789 (VCV000404789.19), dbSNP rs772114165, ClinGen allele CA1998256.
Genomic context (GRCh38, chr2:178,679,338, plus strand): 5'-CCAAGTTATGCTGCATGGGTGAATTATCATGCTATTCCACTGATGGATTATAAGGATGTA[C>A]CTTTTGCTGGCGGAGGCTTCTCCTTTTTAGGAATAAGCACAGGAACTTTCTCCTCTGGCT-3'

ClinVar aggregate classification (germline): Conflicting classifications of pathogenicity. Review status: criteria provided, conflicting classifications (1 of 4 stars). 4 submissions from 4 submitters: Likely pathogenic (2); Uncertain significance (1). 1 of the submissions does not count toward it. Last evaluated 2026-01-31.

Conditions:
Dilated cardiomyopathy 1G (CMD1G). Identifiers: Orphanet 154, MedGen C1858763, MONDO:0011400, OMIM 604145.
Autosomal recessive limb-girdle muscular dystrophy type 2J (LGMDR10). Also called: Limb-girdle muscular dystrophy, type 2J; MUSCULAR DYSTROPHY, LIMB-GIRDLE, AUTOSOMAL RECESSIVE 10. Identifiers: Orphanet 140922, MedGen C1837342, MONDO:0012127, OMIM 608807.
Autosomal recessive titinopathy. Identifiers: MedGen CN315649, MONDO:0100493.
Tip-toe gait. Also called: Toe walking. Identifiers: MedGen C0427144, HP:0030051.

Allele frequency attached by ClinVar (database versions not stated): TOPMed 0.00003; gnomAD exomes 0.00001; gnomAD 0.00003; ExAC 0.00002.
gnomAD v4.1: 16 of 1,612,304 alleles (0.00099%); highest among the groups gnomAD compares: African/African-American, 0.004%; no homozygotes.

Submissions (4):

Labcorp Genetics (formerly Invitae), Labcorp
Classification: Likely pathogenic for Dilated cardiomyopathy 1G; Autosomal recessive limb-girdle muscular dystrophy type 2J. Last evaluated: 2026-01-31. Review status: criteria provided, single submitter. Criteria: Invitae Variant Classification Sherloc (09022015). Collection method: clinical testing. Allele origin: germline.
Comment: This sequence change affects a donor splice site in intron 142 of the TTN gene. It is expected to disrupt RNA splicing and likely results in a truncated or disrupted TTN protein. This variant is present in population databases (rs772114165, gnomAD 0.008%). This variant has not been reported in the literature in individuals affected with TTN-related conditions. ClinVar contains an entry for this variant (Variation ID: 404789). Algorithms developed to predict the effect of sequence changes on RNA splicing suggest that this variant may disrupt the consensus splice site. This variant is located in the I band of TTN (PMID: 25589632). Truncating variants in this region have been reported in individuals affected with autosomal recessive centronuclear myopathy (PMID: 23975875, internal data). Truncating variants in this region have also been identified in individuals affected with autosomal dominant dilated cardiomyopathy and/or cardio-related conditions (PMID: 27869827, 32964742, internal data). In summary, the currently available evidence indicates that the variant is pathogenic, but additional data are needed to prove that conclusively. Therefore, this variant has been classified as Likely Pathogenic.

Women's Health and Genetics/Laboratory Corporation of America, LabCorp
Classification: Likely pathogenic for Autosomal recessive titinopathy. Last evaluated: 2025-11-06. Review status: criteria provided, single submitter. Criteria: LabCorp Variant Classification Summary - May 2015. Collection method: clinical testing. Allele origin: germline.
Comment: Variant summary: TTN c.30010+1G>T (also known as NM_001267550:c.33742+1G>T) is located in a canonical splice-site and is predicted to affect mRNA splicing resulting in a significantly altered protein due to either exon skipping, shortening, or inclusion of intronic material. Variants that disrupt the consensus splice site are a relatively common cause of aberrant splicing and loss of TTN function. Loss of function variants in all TTN bands are strongly associated with a spectrum of autosomal recessive titinopathies when exon expression (proportion spliced in, PSI, 1=complete expression) in skeletal muscle is >0.1 (PMID: 36977548, 39198997, 29598826, 32778822, 29691892, 33449170, 36977548, internal data). In contrast, loss of function variants in all TTN bands are only strongly associated with autosomal dominant TTN-related cardiomyopathies if located in exons constitutively expressed (PSI >0.9) in cardiac muscle, excluding extreme C-terminal exons 359-363 (PMID: 25589632, 31216868, 32964742, 34662387, 27869827, Shetty et al., Nat Cardiovasc Res 2024,, internal data). This variant has a maximum skeletal muscle PSI of 0.632 and a maximum cardiac muscle PSI of 0.020. Several computational tools predict a significant impact on normal splicing: Four predict the variant abolishes a 5' splicing donor site. However, these predictions have yet to be confirmed by functional studies. The variant allele was found at a frequency of 8e-06 in 248764 control chromosomes. To our knowledge, no occurrence of c.30010+1G>T in individuals affected with TTN-related conditions and no experimental evidence demonstrating its impact on protein function have been reported. The following publications have been ascertained in the context of this evaluation (PMID: 31577830, 37091313). ClinVar contains an entry for this variant (Variation ID: 404789). Based on the evidence outlined above, the variant was classified as likely pathogenic for autosomal recessive TTN-related conditions.

Eurofins Ntd Llc (ga)
Classification: Uncertain significance. Last evaluated: 2016-12-27. Review status: criteria provided, single submitter. Criteria: EGL Classification Definitions 2015. Collection method: clinical testing. Allele origin: germline. Observed: 1 variant allele, 1 heterozygote.

Practice for Gait Abnormalities, David Pomarino, Competency Network Toe Walking C/o Practice Pomarino
Classification: Likely pathogenic for Tip-toe gait. Last evaluated: 2020-11-27. Review status: no assertion criteria provided. Collection method: clinical testing. Allele origin: germline. Affected: yes. Not counted in ClinVar's aggregate classification.
Comment: Myopathy refers to diseases that affect skeletal Muscles. These diseases attack muscle fibers, making muscles weak. Inherited myopathies are often caused by inheriting an abnormal gene mutation from a parent that causes the disease. Symptoms of congenital myopathies usually start at birth or in early childhood, but may not appear until the teen years or even later in adulthood. Congenital myopathies are somewhat unique compared with other inherited myopathies, as weakness typically affects all muscles and is often not progressive. Symptoms are: Muscle weakness, most commonly of upper arms and shoulders and thighs, muscle cramps, stiffness and spasms, fatigue with exertion and lack of energy. Our patients all walk on tiptoe, so they show similar symptoms. When we genetically test them with our toe walking panel, we find that around 90 per cent of them have a genetic variant that explains their toe walking. These can be assigned, for example, to the area of myopathies (such as variants of the COL6A3 gene), the area of hereditary neuropathies (such as variants of the KMT2C gene) or the area of metabolic diseases (such as variants of the PYGM gene). In a smaller group of patients with almost identical symptoms, no abnormality is found in the genes of our panel, but spastic paraplegia can be detected. In another small group of our toe walkers, no abnormalities can be detected in the genes analysed in our toe walking panel, nor do they suffer from spastic paraplegia, as is also the case with healthy children. In contrast to these, however, they show a tiptoe gait. These patients suffer from infantile cerebral palsy, in which toe walking can also be observed.

Literature cited by the submitters: PubMed 25589632 (cited by Labcorp Genetics (formerly Invitae), Labcorp); PubMed 23975875 (cited by Labcorp Genetics (formerly Invitae), Labcorp); PubMed 27869827 (cited by Labcorp Genetics (formerly Invitae), Labcorp); PubMed 32964742 (cited by Labcorp Genetics (formerly Invitae), Labcorp); PubMed 31577830 (cited by Women's Health and Genetics/Laboratory Corporation of America, LabCorp); PubMed 37091313 (cited by Women's Health and Genetics/Laboratory Corporation of America, LabCorp and Practice for Gait Abnormalities, David Pomarino, Competency Network Toe Walking C/o Practice Pomarino).